The following is an entry in ClinVar:

NM_001127222.2(CACNA1A):c.6630CCA[7] (p.His2218_His2219del)

Gene: CACNA1A (calcium voltage-gated channel subunit alpha1 A; minus strand). Cytogenetic location: 19p13.13.
Variant type: Microsatellite.
Coding change: c.6630CCA[7] on transcript NM_001127222.2 (MANE Select); seven copies in a row of the 3-base unit CCA starting at c.6630; the reference has nine copies in a row; two copies, 6 bases deleted.
Protein change: p.His2218_His2219del.
Molecular consequence: inframe deletion.
Genome position (GRCh38, 1-based): chr19:13,208,880-13,208,885, TGGTGG deleted on the plus strand (CCACCA on the coding strand, the reverse complement: CACNA1A is on the minus strand); deleting any 6 consecutive bases within chr19:13,208,880-13,208,908 gives the same sequence; the position shown is the placement nearest the transcript's 3' end. VCF-style (leftmost placement, unchanged base first): chr19-13208879-ATGGTGG-A. GRCh37 (hg19) VCF-style: chr19-13319693-ATGGTGG-A.
Other names: c.6651_6656del6 (NM_001127222.1); c.6654_6659delCCACCA (NM_001127221.2, NM_001127221.1); c.6648CCA[7], p.His2224_His2225del (NM_000068.4, NM_023035.3); c.6633CCA[7], p.His2219_His2220del (NM_001127221.2); c.6639CCA[7], p.His2221_His2222del (NM_001174080.2).
Identifiers: ClinVar variation 1175508 (VCV001175508.12), dbSNP rs759331923, ClinGen allele CA783411461.
Genomic context (GRCh38, chr19:13,208,879, plus strand): 5'-CCGTGCCCGGCCGTGGTCCGGCCGTTCCTGGGCATAGCGGTCCTTGTCGGGGGGCGGGGG[ATGGTGG>A]TGGTGGTGGTGGTGGTGGTGGTGCTGTCGATGCTTCCGATCCTTGGGCCGGCCCCGCTCC-3'

ClinVar aggregate classification (germline): Conflicting classifications of pathogenicity. Review status: criteria provided, conflicting classifications (1 of 4 stars). 5 submissions from 5 submitters: Uncertain significance (2); Likely benign (3). Last evaluated 2025-12-30.

Conditions:
Developmental and epileptic encephalopathy, 42 (DEE42A). Also called: DEVELOPMENTAL AND EPILEPTIC ENCEPHALOPATHY 42A; EPILEPTIC ENCEPHALOPATHY, EARLY INFANTILE, 42A; Epileptic encephalopathy, early infantile, 42. Identifiers: MedGen C4310716, MONDO:0014917, OMIM 617106.
Episodic ataxia type 2 (EA2). Also called: ACETAZOLAMIDE-RESPONSIVE HEREDITARY PAROXYSMAL CEREBELLAR ATAXIA; EPISODIC ATAXIA, NYSTAGMUS-ASSOCIATED; ATAXIA, EPISODIC, WITH NYSTAGMUS; ATAXIA, FAMILIAL PAROXYSMAL; CEREBELLAR ATAXIA, PAROXYSMAL, ACETAZOLAMIDE-RESPONSIVE; CEREBELLOPATHY, HEREDITARY PAROXYSMAL. Identifiers: Orphanet 97, MedGen C1720416, MONDO:0007163, OMIM 108500.
Inborn genetic diseases. Identifiers: MedGen C0950123, MeSH D030342.
CACNA1A-related disorder. Also called: CACNA1A-related condition.

Submissions (5):

Women's Health and Genetics/Laboratory Corporation of America, LabCorp
Classification: Uncertain significance. Last evaluated: 2025-12-30. Review status: criteria provided, single submitter. Criteria: LabCorp Variant Classification Summary - May 2015. Collection method: clinical testing. Allele origin: germline.
Comment: Variant summary: CACNA1A c.6654_6659delCCACCA (p.His2219_His2220del) results in an in-frame deletion that is predicted to remove two amino acids from the encoded protein. The variant was absent in 124082 control chromosomes. The available data on variant occurrences in the general population are insufficient to allow any conclusion about variant significance. To our knowledge, no occurrence of c.6654_6659delCCACCA in individuals affected with CACNA1A-related conditions and no experimental evidence demonstrating its impact on protein function have been reported. ClinVar contains an entry for this variant (Variation ID: 1175508). Based on the evidence outlined above, the variant was classified as uncertain significance.

PreventionGenetics, part of Exact Sciences
Classification: Likely benign for CACNA1A-related condition. Last evaluated: 2024-10-11. Review status: criteria provided, single submitter. Criteria: ACMG Guidelines, 2015. Collection method: clinical testing. Allele origin: germline.
Comment: This variant is classified as likely benign based on ACMG/AMP sequence variant interpretation guidelines (Richards et al. 2015 PMID: 25741868, with internal and published modifications).

GeneDx
Classification: Likely benign. Last evaluated: 2023-02-15. Review status: criteria provided, single submitter. Criteria: GeneDx Variant Classification Process June 2021. Collection method: clinical testing. Allele origin: germline. Affected: yes.
Comment: See Variant Classification Assertion Criteria.

Labcorp Genetics (formerly Invitae), Labcorp
Classification: Uncertain significance for Developmental and epileptic encephalopathy, 42; Episodic ataxia type 2. Last evaluated: 2021-08-07. Review status: criteria provided, single submitter. Criteria: Invitae Variant Classification Sherloc (09022015). Collection method: clinical testing. Allele origin: germline.
Comment: Experimental studies and prediction algorithms are not available or were not evaluated, and the functional significance of this variant is currently unknown. In summary, the available evidence is currently insufficient to determine the role of this variant in disease. Therefore, it has been classified as a Variant of Uncertain Significance. This variant has not been reported in the literature in individuals with CACNA1A-related conditions. The frequency data for this variant in the population databases is considered unreliable, as metrics indicate insufficient coverage at this position in the ExAC database. This variant, c.6654_6659del, results in the deletion of 2 amino acid(s) of the CACNA1A protein (p.His2219_His2220del), but otherwise preserves the integrity of the reading frame.

Ambry Genetics
Classification: Likely benign for Inborn genetic diseases. Last evaluated: 2017-09-08. Review status: criteria provided, single submitter. Criteria: Ambry Variant Classification Scheme 2023. Collection method: clinical testing. Allele origin: germline.